The following is an entry in ClinVar:

ClinVar aggregate classification (germline): Likely benign (0 of 4 stars; one submission).

Conditions:
IFT172-related disorder. Also called: IFT172-related disorders; IFT172-related condition.

Submission:

PreventionGenetics, part of Exact Sciences
Classification: Likely benign for IFT172-related condition. Last evaluated: 2021-07-14. Review status: no assertion criteria provided. Collection method: clinical testing. Allele origin: germline.
Comment: This variant is classified as likely benign based on ACMG/AMP sequence variant interpretation guidelines (Richards et al. 2015 PMID: 25741868, with internal and published modifications).

NM_015662.3(IFT172):c.3573T>A (p.Ala1191=)

Genes: IFT172 (intraflagellar transport 172; minus strand), LOC126806173 (BRD4-independent group 4 enhancer GRCh37_chr2:27676057-27677256; plus strand). Cytogenetic location: 2p23.3.
Variant type: single nucleotide variant.
Coding change: c.3573T>A on transcript NM_015662.3 (MANE Select); coding-DNA position 3573, T replaced by A.
Protein change: p.Ala1191=; no amino-acid change (alanine 1191 retained).
Molecular consequence: synonymous variant.
Genome position (GRCh38, 1-based): chr2:27,454,120, A>T on the plus strand (T>A on the coding strand, the complement: IFT172 is on the minus strand). VCF-style: chr2-27454120-A-T. GRCh37 (hg19) VCF-style: chr2-27676987-A-T.
Other names: c.3507T>A, p.Ala1169= (NM_001410739.1).
Identifiers: ClinVar variation 3357518 (VCV003357518.1).